The following is an entry in ClinVar:

NM_015512.5(DNAH1):c.5674A>C (p.Met1892Leu)

Gene: DNAH1 (dynein axonemal heavy chain 1; plus strand). Cytogenetic location: 3p21.1.
Variant type: single nucleotide variant.
Coding change: c.5674A>C on transcript NM_015512.5 (MANE Select); coding-DNA position 5674, A replaced by C.
Protein change: p.Met1892Leu; replaces methionine 1892 with leucine.
Molecular consequence: missense variant.
Genome position (GRCh38, 1-based): chr3:52,366,796, A>C. VCF-style: chr3-52366796-A-C. GRCh37 (hg19) VCF-style: chr3-52400812-A-C.
Other names: short protein forms M1892L.
Identifiers: ClinVar variation 707543 (VCV000707543.17), dbSNP rs147123898, ClinGen allele CA2434281.

ClinVar aggregate classification (germline): Benign/Likely benign. Review status: criteria provided, multiple submitters, no conflicts (2 of 4 stars). 5 submissions from 5 submitters: Benign (2); Likely benign (3). Last evaluated 2026-04-17.

Conditions:
DNAH1-related disorder. Also called: DNAH1-related condition.
Spermatogenic failure 18. Identifiers: MedGen C4539783, MONDO:0054615, OMIM 617576.
Ciliary dyskinesia, primary, 37 (CILD37). Also called: CILIARY DYSKINESIA, PRIMARY, 37, WITH OR WITHOUT SITUS INVERSUS. Identifiers: MedGen C4539798, MONDO:0033204, OMIM 617577.

Allele frequency attached by ClinVar (database versions not stated): gnomAD exomes 0.00066; ExAC 0.00089; ESP Exome Variant Server 0.00220; gnomAD 0.00251 and 0.00262; TOPMed 0.00276; 1000 Genomes Project 30x 0.00312; 1000 Genomes Project 0.00339.

Submissions (5):

PreventionGenetics, part of Exact Sciences
Classification: Likely benign for DNAH1-related condition. Last evaluated: 2026-04-17. Review status: criteria provided, single submitter. Criteria: ACMG Guidelines, 2015. Collection method: clinical testing. Allele origin: germline.
Comment: This variant is classified as likely benign based on ACMG/AMP sequence variant interpretation guidelines (Richards et al. 2015 PMID: 25741868, with internal and published modifications).

CeGaT Center for Human Genetics Tuebingen
Classification: Likely benign. Last evaluated: 2026-02-01. Review status: criteria provided, single submitter. Criteria: CeGaT Center For Human Genetics Tuebingen Variant Classification Criteria Version 2. Collection method: clinical testing. Allele origin: germline. Affected: yes. Observed: 1 variant allele.
Comment: DNAH1: BP4

Labcorp Genetics (formerly Invitae), Labcorp
Classification: Benign for Ciliary dyskinesia, primary, 37; Spermatogenic failure 18. Last evaluated: 2026-02-01. Review status: criteria provided, single submitter. Criteria: Invitae Variant Classification Sherloc (09022015). Collection method: clinical testing. Allele origin: germline.

Blueprint Genetics
Classification: Likely benign. Last evaluated: 2024-09-04. Review status: criteria provided, single submitter. Criteria: ACMG Guidelines, 2015. Collection method: clinical testing. Allele origin: germline.

Breakthrough Genomics
Classification: Benign. Review status: criteria provided, single submitter. Criteria: ACMG Guidelines, 2015. Collection method: not provided. Allele origin: germline. Inheritance: Autosomal recessive inheritance. Affected: yes.